The following is an entry in ClinVar:

ClinVar aggregate classification (germline): Pathogenic (1 of 4 stars; one submission).

Submission:

Labcorp Genetics (formerly Invitae), Labcorp
Classification: Pathogenic. Last evaluated: 2022-05-08. Review status: criteria provided, single submitter. Criteria: Invitae Variant Classification Sherloc (09022015). Collection method: clinical testing. Allele origin: germline.
Comment: This variant has not been reported in the literature in individuals affected with PCNT-related conditions. For these reasons, this variant has been classified as Pathogenic. This sequence change creates a premature translational stop signal (p.Ser441Argfs*16) in the PCNT gene. It is expected to result in an absent or disrupted protein product. Loss-of-function variants in PCNT are known to be pathogenic (PMID: 18174396, 22821869). This variant is not present in population databases (gnomAD no frequency).

Literature cited by the submitters: PubMed 18174396; PubMed 22821869.

NM_006031.6(PCNT):c.1321_1322del (p.Ser441fs)

Gene: PCNT (pericentrin; plus strand). Cytogenetic location: 21q22.3.
Variant type: Microsatellite.
Coding change: c.1321_1322del on transcript NM_006031.6 (MANE Select); coding-DNA positions 1321 to 1322, 2 bases deleted (AG; older notation c.1321_1322delAG).
Protein change: p.Ser441fs; shifts the reading frame from serine 441.
Molecular consequence: frameshift variant.
Genome position (GRCh38, 1-based): chr21:46,349,797-46,349,798, AG deleted; deleting any 2 consecutive bases within chr21:46,349,793-46,349,798 gives the same sequence; the c. name uses the placement nearest the transcript's 3' end. VCF-style (leftmost placement, unchanged base first): chr21-46349792-AAG-A. GRCh37 (hg19) VCF-style: chr21-47769706-AAG-A.
Other names: c.967_968del, p.Ser323fs (NM_001315529.2); short protein forms S441fs, S323fs.
Identifiers: ClinVar variation 2077294 (VCV002077294.4), dbSNP rs2518083737, ClinGen allele CA2580615232.
Genomic context (GRCh38, chr21:46,349,792, plus strand): 5'-TACGTGAAGACCTGCAGTCCGAGCACGGCCGGTGTTTAGAAGACTTGGAGTTCAAGTTCA[AAG>A]AGAGCGAGAAAGAAAAACAGCTGGAGGTGGGCAGCAGCTTCGTTATTTAATTACTTGGTA-3'